The following is an entry in ClinVar:

NM_005618.4(DLL1):c.1077C>A (p.Tyr359Ter)

Gene: DLL1 (delta like canonical Notch ligand 1; minus strand). Cytogenetic location: 6q27.
Variant type: single nucleotide variant.
Coding change: c.1077C>A on transcript NM_005618.4 (MANE Select); coding-DNA position 1077, C replaced by A.
Protein change: p.Tyr359Ter; replaces tyrosine 359 with a stop codon.
Molecular consequence: nonsense.
Genome position (GRCh38, 1-based): chr6:170,285,091, G>T on the plus strand (C>A on the coding strand, the complement: DLL1 is on the minus strand). VCF-style: chr6-170285091-G-T. GRCh37 (hg19) VCF-style: chr6-170594179-G-T.
Other names: short protein forms Y359*.
Identifiers: ClinVar variation 4536270 (VCV004536270.1).
Genomic context (GRCh38, chr6:170,285,091, plus strand): 5'-ACCCCCGTTAAAGCAAGGGCCGTCCGCACAGGTCATGGCACTCAATTCACAGATTTTGCC[G>T]TAGAAGCCGGGTGGGCAGGTACAGGAGTAGCTGTTCTCGAGATCCTACACGATGGAGAGG-3'

ClinVar aggregate classification (germline): Pathogenic (1 of 4 stars; one submission).

Submission:

GeneDx
Classification: Pathogenic. Last evaluated: 2025-06-05. Review status: criteria provided, single submitter. Criteria: GeneDx Variant Classification Process June 2021. Collection method: clinical testing. Allele origin: germline. Affected: yes.
Comment: Nonsense variant predicted to result in protein truncation or nonsense mediated decay in a gene for which loss of function is a known mechanism of disease; Not observed at significant frequency in large population cohorts (gnomAD); Has not been previously published as pathogenic or benign to our knowledge